The following is an entry in ClinVar:

NM_000275.3(OCA2):c.1475T>C (p.Ile492Thr)

Gene: OCA2 (OCA2 melanosomal transmembrane protein; minus strand). Cytogenetic location: 15q13.1.
Variant type: single nucleotide variant.
Coding change: c.1475T>C on transcript NM_000275.3 (MANE Select); coding-DNA position 1475, T replaced by C.
Protein change: p.Ile492Thr; replaces isoleucine 492 with threonine.
Molecular consequence: missense variant.
Genome position (GRCh38, 1-based): chr15:27,983,373, A>G on the plus strand (T>C on the coding strand, the complement: OCA2 is on the minus strand). VCF-style: chr15-27983373-A-G. GRCh37 (hg19) VCF-style: chr15-28228519-A-G.
Other names: c.1403T>C, p.Ile468Thr (NM_001300984.2); short protein forms I468T, I492T.
Identifiers: ClinVar variation 3339148 (VCV003339148.1).

ClinVar aggregate classification (germline): Uncertain significance (1 of 4 stars; one submission).

gnomAD v4.1: 1 of 1,614,232 alleles (0.000062%); highest among the groups gnomAD compares: Non-Finnish European, 0.000085%; no homozygotes.

Submission:

Women's Health and Genetics/Laboratory Corporation of America, LabCorp
Classification: Uncertain significance. Last evaluated: 2024-07-03. Review status: criteria provided, single submitter. Criteria: LabCorp Variant Classification Summary - May 2015. Collection method: clinical testing. Allele origin: germline.
Comment: Variant summary: OCA2 c.1475T>C (p.Ile492Thr) results in a non-conservative amino acid change located in the Citrate transporter-like domain (IPR004680) of the encoded protein sequence. Five of five in-silico tools predict a damaging effect of the variant on protein function. The variant was absent in 251492 control chromosomes. The available data on variant occurrences in the general population are insufficient to allow any conclusion about variant significance. c.1475T>C has been reported in the literature in at least one compound heterozygous individual affected with Oculocutaneous Albinism (Mauri_2017). These data do not allow any conclusion about variant significance. To our knowledge, no experimental evidence demonstrating an impact on protein function has been reported. The following publication has been ascertained in the context of this evaluation (PMID: 27734839). No submitters have cited clinical-significance assessments for this variant to ClinVar. Based on the evidence outlined above, the variant was classified as uncertain significance.

Literature cited by the submitters: PubMed 27734839.